The following is an entry in ClinVar:

NM_004525.3(LRP2):c.2417A>G (p.Lys806Arg)

Gene: LRP2 (LDL receptor related protein 2; minus strand). Cytogenetic location: 2q31.1.
Variant type: single nucleotide variant.
Coding change: c.2417A>G on transcript NM_004525.3 (MANE Select); coding-DNA position 2417, A replaced by G.
Protein change: p.Lys806Arg; replaces lysine 806 with arginine.
Molecular consequence: missense variant.
Genome position (GRCh38, 1-based): chr2:169,259,121, T>C on the plus strand (A>G on the coding strand, the complement: LRP2 is on the minus strand). VCF-style: chr2-169259121-T-C. GRCh37 (hg19) VCF-style: chr2-170115631-T-C.
Other names: short protein forms K806R.
Identifiers: ClinVar variation 2168725 (VCV002168725.2), dbSNP rs1259891264, ClinGen allele CA349158379.

ClinVar aggregate classification (germline): Uncertain significance. Review status: criteria provided, multiple submitters, no conflicts (2 of 4 stars). 2 submissions from 2 submitters: Uncertain significance (2). Last evaluated 2024-05-17.

Conditions:
Donnai-Barrow syndrome. Also called: DBS/FOAR SYNDROME; FACIOOCULOACOUSTICORENAL SYNDROME. Identifiers: Orphanet 2143, MedGen C1857277, MONDO:0009104, OMIM 222448.

Allele frequency attached by ClinVar (database versions not stated): gnomAD exomes below 0.00001; TOPMed 0.00001.
gnomAD v4.1: 2 of 1,612,614 alleles (0.00012%); highest among the groups gnomAD compares: Admixed American, 0.0017%; no homozygotes.

Submissions (2):

Fulgent Genetics
Classification: Uncertain significance for Donnai-Barrow syndrome. Last evaluated: 2024-05-17. Review status: criteria provided, single submitter. Criteria: ACMG Guidelines, 2015. Collection method: clinical testing. Allele origin: germline.

Labcorp Genetics (formerly Invitae), Labcorp
Classification: Uncertain significance. Last evaluated: 2022-04-03. Review status: criteria provided, single submitter. Criteria: Invitae Variant Classification Sherloc (09022015). Collection method: clinical testing. Allele origin: germline.
Comment: This sequence change replaces lysine, which is basic and polar, with arginine, which is basic and polar, at codon 806 of the LRP2 protein (p.Lys806Arg). This variant is present in population databases (no rsID available, gnomAD 0.0009%). This variant has not been reported in the literature in individuals affected with LRP2-related conditions. Advanced modeling of protein sequence and biophysical properties (such as structural, functional, and spatial information, amino acid conservation, physicochemical variation, residue mobility, and thermodynamic stability) performed at Invitae indicates that this missense variant is not expected to disrupt LRP2 protein function. Algorithms developed to predict the effect of sequence changes on RNA splicing suggest that this variant may create or strengthen a splice site. In summary, the available evidence is currently insufficient to determine the role of this variant in disease. Therefore, it has been classified as a Variant of Uncertain Significance.